The following is an entry in ClinVar:

ClinVar aggregate classification (germline): Likely benign (1 of 4 stars; one submission).

gnomAD v4.1: 50 of 1,612,914 alleles (0.0031%); highest among the groups gnomAD compares: Middle Eastern, 0.082%; no homozygotes.

Submission:

CeGaT Center for Human Genetics Tuebingen
Classification: Likely benign. Last evaluated: 2026-01-01. Review status: criteria provided, single submitter. Criteria: CeGaT Center For Human Genetics Tuebingen Variant Classification Criteria Version 2. Collection method: clinical testing. Allele origin: germline. Affected: yes. Observed: 1 variant allele.
Comment: ARMC2: BP4, BP7

NM_032131.6(ARMC2):c.213C>T (p.Ser71=)

Gene: ARMC2 (armadillo repeat containing 2; plus strand). Cytogenetic location: 6q21.
Variant type: single nucleotide variant.
Coding change: c.213C>T on transcript NM_032131.6 (MANE Select); coding-DNA position 213, C replaced by T.
Protein change: p.Ser71=; no amino-acid change (serine 71 retained).
Molecular consequence: synonymous variant. On other transcripts: 5 prime UTR variant (1).
Genome position (GRCh38, 1-based): chr6:108,854,480, C>T. VCF-style: chr6-108854480-C-T. GRCh37 (hg19) VCF-style: chr6-109175683-C-T.
Other names: c.-210C>T (NM_001286609.2).
Identifiers: ClinVar variation 4821815 (VCV004821815.4).